The following is an entry in ClinVar:

NM_024079.5(ALG8):c.886C>A (p.Leu296Met)

Gene: ALG8 (ALG8 alpha-1,3-glucosyltransferase; minus strand). Cytogenetic location: 11q14.1.
Variant type: single nucleotide variant.
Coding change: c.886C>A on transcript NM_024079.5 (MANE Select); coding-DNA position 886, C replaced by A.
Protein change: p.Leu296Met; replaces leucine 296 with methionine.
Molecular consequence: missense variant. On other transcripts: non-coding transcript variant (2), intron variant (2).
Genome position (GRCh38, 1-based): chr11:78,112,662, G>T on the plus strand (C>A on the coding strand, the complement: ALG8 is on the minus strand). VCF-style: chr11-78112662-G-T. GRCh37 (hg19) VCF-style: chr11-77823708-G-T.
Other names: c.886C>A, p.Leu296Met (NM_001007027.3, NM_001425221.1, NM_001425222.1 and 8 more transcripts); c.889C>A, p.Leu297Met (NM_001425219.1); c.871C>A, p.Leu291Met (NM_001425220.1); c.880C>A, p.Leu294Met (NM_001425223.1); c.979C>A, p.Leu327Met (NM_001425224.1); c.733C>A, p.Leu245Met (NM_001425226.1, NM_001425235.1, NM_001425236.1); c.685C>A, p.Leu229Met (NM_001425231.1); c.622C>A, p.Leu208Met (NM_001425234.1, NM_001425239.1); and 5 more; short protein forms A261D, L111M, L124M, L208M, L229M, L245M, L291M, L294M.
Identifiers: ClinVar variation 3619798 (VCV003619798.2).

ClinVar aggregate classification (germline): Uncertain significance (1 of 4 stars; one submission).

Conditions:
ALG8 congenital disorder of glycosylation. Also called: CONGENITAL DISORDER OF GLYCOSYLATION, TYPE Ih; CDG Ih; ALG8-CDG. Identifiers: Orphanet 79325, MedGen C2931002, MONDO:0011969, OMIM 608104.

gnomAD v4.1: 2 of 1,613,920 alleles (0.00012%); highest among the groups gnomAD compares: East Asian, 0.0022%; no homozygotes.

Submission:

Labcorp Genetics (formerly Invitae), Labcorp
Classification: Uncertain significance for ALG8 congenital disorder of glycosylation. Last evaluated: 2024-08-23. Review status: criteria provided, single submitter. Criteria: Invitae Variant Classification Sherloc (09022015). Collection method: clinical testing. Allele origin: germline.
Comment: This sequence change replaces leucine, which is neutral and non-polar, with methionine, which is neutral and non-polar, at codon 296 of the ALG8 protein (p.Leu296Met). This variant is present in population databases (rs745539743, gnomAD 0.006%). This variant has not been reported in the literature in individuals affected with ALG8-related conditions. Invitae Evidence Modeling of protein sequence and biophysical properties (such as structural, functional, and spatial information, amino acid conservation, physicochemical variation, residue mobility, and thermodynamic stability) indicates that this missense variant is not expected to disrupt ALG8 protein function with a negative predictive value of 80%. In summary, the available evidence is currently insufficient to determine the role of this variant in disease. Therefore, it has been classified as a Variant of Uncertain Significance.